The following is an entry in ClinVar:

ClinVar aggregate classification (germline): Uncertain significance (1 of 4 stars; one submission).

Submission:

GeneDx
Classification: Uncertain significance. Last evaluated: 2025-08-14. Review status: criteria provided, single submitter. Criteria: GeneDx Variant Classification Process June 2021. Collection method: clinical testing. Allele origin: germline. Affected: yes.
Comment: Not observed at significant frequency in large population cohorts (gnomAD); In silico analysis supports that this missense variant has a deleterious effect on protein structure/function; Observed in at least one presumed clinically unaffected adult relative of an individual referred for genetic testing at GeneDx; Has not been previously published as pathogenic or benign to our knowledge

NM_020732.3:c.5857C>T

Gene: ARID1B (AT-rich interaction domain 1B; plus strand).
Variant type: single nucleotide variant.
Other names: c.5857C>T (NM_020732.3).
Identifiers: ClinVar variation 4795665 (VCV004795665.1).